The following is an entry in ClinVar:

NM_001004356.3(FGFRL1):c.986G>A (p.Arg329His)

Gene: FGFRL1 (fibroblast growth factor receptor like 1; plus strand). Cytogenetic location: 4p16.3.
Variant type: single nucleotide variant.
Coding change: c.986G>A on transcript NM_001004356.3 (MANE Select); coding-DNA position 986, G replaced by A.
Protein change: p.Arg329His; replaces arginine 329 with histidine.
Molecular consequence: missense variant.
Genome position (GRCh38, 1-based): chr4:1,024,578, G>A. VCF-style: chr4-1024578-G-A. GRCh37 (hg19) VCF-style: chr4-1018366-G-A.
Other names: c.986G>A, p.Arg329His (NM_001004358.1, NM_001370296.1, NM_021923.3); short protein forms R329H.
Identifiers: ClinVar variation 1404688 (VCV001404688.8), dbSNP rs374222149, ClinGen allele CA2802932.

ClinVar aggregate classification (germline): Uncertain significance (1 of 4 stars; one submission).

Allele frequency attached by ClinVar (database versions not stated): ExAC 0.00001; gnomAD exomes 0.00002 and 0.00004; TOPMed 0.00006; ESP Exome Variant Server 0.00008.
gnomAD v4.1: 60 of 1,612,268 alleles (0.0037%); highest among the groups gnomAD compares: East Asian, 0.0045%; no homozygotes.

Submission:

Labcorp Genetics (formerly Invitae), Labcorp
Classification: Uncertain significance. Last evaluated: 2022-06-28. Review status: criteria provided, single submitter. Criteria: Invitae Variant Classification Sherloc (09022015). Collection method: clinical testing. Allele origin: germline.
Comment: In summary, the available evidence is currently insufficient to determine the role of this variant in disease. Therefore, it has been classified as a Variant of Uncertain Significance. Algorithms developed to predict the effect of missense changes on protein structure and function are either unavailable or do not agree on the potential impact of this missense change (SIFT: "Tolerated"; PolyPhen-2: "Probably Damaging"; Align-GVGD: "Class C0"). This variant has not been reported in the literature in individuals affected with FGFRL1-related conditions. This variant is present in population databases (rs374222149, gnomAD 0.007%). This sequence change replaces arginine, which is basic and polar, with histidine, which is basic and polar, at codon 329 of the FGFRL1 protein (p.Arg329His).